The following is an entry in ClinVar:

ClinVar aggregate classification (germline): Uncertain significance (1 of 4 stars; one submission).

Submission:

Labcorp Genetics (formerly Invitae), Labcorp
Classification: Uncertain significance. Last evaluated: 2025-09-30. Review status: criteria provided, single submitter. Criteria: Invitae Variant Classification Sherloc (09022015). Collection method: clinical testing. Allele origin: germline.
Comment: This sequence change creates a premature translational stop signal (p.Ser180Phefs*10) in the ADD3 gene. It is expected to result in an absent or disrupted protein product. However, the current clinical and genetic evidence is not sufficient to establish whether loss-of-function variants in ADD3 cause disease. This variant is not present in population databases (gnomAD no frequency). This variant has not been reported in the literature in individuals affected with ADD3-related conditions. In summary, the available evidence is currently insufficient to determine the role of this variant in disease. Therefore, it has been classified as a Variant of Uncertain Significance.

NM_016824.5(ADD3):c.537_540del (p.Ser180fs)

Gene: ADD3 (adducin 3; plus strand). Cytogenetic location: 10q25.2.
Variant type: Deletion.
Coding change: c.537_540del on transcript NM_016824.5 (MANE Select); coding-DNA positions 537 to 540, 4 bases deleted (ATCT; older notation c.537_540delATCT).
Protein change: p.Ser180fs; shifts the reading frame from serine 180.
Molecular consequence: frameshift variant.
Genome position (GRCh38, 1-based): chr10:110,117,392-110,117,395, ATCT deleted; deleting any 4 consecutive bases within chr10:110,117,390-110,117,395 gives the same sequence; the c. name uses the placement nearest the transcript's 3' end. VCF-style (leftmost placement, unchanged base first): chr10-110117389-CCTAT-C. GRCh37 (hg19) VCF-style: chr10-111877147-CCTAT-C.
Other names: c.537_540del, p.Ser180fs (NM_001121.4, NM_001320591.2, NM_001320592.2 and 2 more transcripts); c.303_306del, p.Ser102fs (NM_001320594.2); short protein forms S102fs, S180fs.
Identifiers: ClinVar variation 4700315 (VCV004700315.1).